The following is an entry in ClinVar:

ClinVar aggregate classification (germline): Uncertain significance (1 of 4 stars; one submission).

Conditions:
RAB5C-related developmental disorder.

Submission:

3billion
Classification: Uncertain significance for RAB5C-related developmental disorder. Last evaluated: 2025-02-05. Review status: criteria provided, single submitter. Criteria: ACMG Guidelines, 2015. Collection method: clinical testing. Allele origin: germline. Affected: yes.
Comment: The variant is not observed in the gnomAD v4.1.0 dataset. Predicted Consequence/Location: Missense variant In silico tool predictions suggest damaging effect of the variant on gene or gene product [3Cnet: 0.99 (>=0.6, sensitivity 0.72 and precision 0.9)]. Therefore, this variant is classified as VUS according to the recommendation of ACMG/AMP guideline.

NM_004583.4(RAB5C):c.29C>G (p.Pro10Arg)

Gene: RAB5C (RAB5C, member RAS oncogene family; minus strand). Cytogenetic location: 17q21.2.
Variant type: single nucleotide variant.
Coding change: c.29C>G on transcript NM_004583.4 (MANE Select); coding-DNA position 29, C replaced by G.
Protein change: p.Pro10Arg; replaces proline 10 with arginine.
Molecular consequence: missense variant.
Genome position (GRCh38, 1-based): chr17:42,130,474, G>C on the plus strand (C>G on the coding strand, the complement: RAB5C is on the minus strand). VCF-style: chr17-42130474-G-C. GRCh37 (hg19) VCF-style: chr17-40282492-G-C.
Other names: c.128C>G, p.Pro43Arg (NM_001252039.2); c.29C>G, p.Pro10Arg (NM_201434.3); short protein forms P10R, P43R.
Identifiers: ClinVar variation 4293746 (VCV004293746.1).
Genomic context (GRCh38, chr17:42,130,474, plus strand): 5'-GACTCCCCCAGCAGAACCAGCTTAAATTGACAGATCTTGTTCCCAGCAGCTGGTCCATTG[G>C]GTCGTGCTGCGCCTCCCCGACCCGCCATTGCCCGTCCAGCTGTAGTGGTCCAGAGAGCGT-3'
Protein context (NP_004574.2, residues 1-20): MAGRGGAAR[Pro10Arg]NGPAAGNKIC